The following is an entry in ClinVar:

NM_001384732.1(CPLANE1):c.3115C>T (p.Gln1039Ter)

Gene: CPLANE1 (ciliogenesis and planar polarity effector complex subunit 1; minus strand). Cytogenetic location: 5p13.2.
Variant type: single nucleotide variant.
Coding change: c.3115C>T on transcript NM_001384732.1 (MANE Select); coding-DNA position 3115, C replaced by T.
Protein change: p.Gln1039Ter; replaces glutamine 1039 with a stop codon.
Molecular consequence: nonsense.
Genome position (GRCh38, 1-based): chr5:37,206,231, G>A on the plus strand (C>T on the coding strand, the complement: CPLANE1 is on the minus strand). VCF-style: chr5-37206231-G-A. GRCh37 (hg19) VCF-style: chr5-37206333-G-A.
Other names: c.3115C>T, p.Gln1039Ter (NM_023073.4); short protein forms Q1039*.
Identifiers: ClinVar variation 2005831 (VCV002005831.4), dbSNP rs1161096932, ClinGen allele CA359515952.
Genomic context (GRCh38, chr5:37,206,231, plus strand): 5'-TCTTAAAATTGCCTAAAAATCCATACCTCATGAAATTGCTATCACGTTTACAGAACAGCT[G>A]GAAAGCCACACCAATTGAAACAGACGTCTTCCAGTCTCCAAGTTTATATGCCAACCACAC-3'

ClinVar aggregate classification (germline): Pathogenic (1 of 4 stars; one submission).

Allele frequency attached by ClinVar (database versions not stated): gnomAD 0.00001; TOPMed below 0.00001.
gnomAD v4.1: 1 of 1,551,682 alleles (0.000064%); highest among the groups gnomAD compares: African/African-American, 0.0014%; no homozygotes.

Submission:

Labcorp Genetics (formerly Invitae), Labcorp
Classification: Pathogenic. Last evaluated: 2025-06-12. Review status: criteria provided, single submitter. Criteria: Invitae Variant Classification Sherloc (09022015). Collection method: clinical testing. Allele origin: germline.
Comment: This sequence change creates a premature translational stop signal (p.Gln1039*) in the CPLANE1 gene. It is expected to result in an absent or disrupted protein product. Loss-of-function variants in CPLANE1 are known to be pathogenic (PMID: 24178751, 26092869). This variant is present in population databases (no rsID available, gnomAD 0.01%). This variant has not been reported in the literature in individuals affected with CPLANE1-related conditions. ClinVar contains an entry for this variant (Variation ID: 2005831). Algorithms developed to predict the effect of sequence changes on RNA splicing suggest that this variant may disrupt the consensus splice site. For these reasons, this variant has been classified as Pathogenic.

Literature cited by the submitters: PubMed 24178751; PubMed 26092869.